The following is an entry in ClinVar:

ClinVar aggregate classification (germline): Uncertain significance (1 of 4 stars; one submission).

Conditions:
Hereditary cancer-predisposing syndrome. Also called: Neoplastic Syndromes, Hereditary; Hereditary Cancer Syndrome; Hereditary neoplastic syndrome; Tumor predisposition. Identifiers: Orphanet 140162, MedGen C0027672, MeSH D009386, MONDO:0015356.

Submission:

Ambry Genetics
Classification: Uncertain significance for Hereditary cancer-predisposing syndrome. Last evaluated: 2026-05-14. Review status: criteria provided, single submitter. Criteria: Ambry Variant Classification Scheme 2023. Collection method: clinical testing. Allele origin: germline.
Comment: The p.I172F variant (also known as c.514A>T), located in coding exon 3 of the FLCN gene, results from an A to T substitution at nucleotide position 514. The isoleucine at codon 172 is replaced by phenylalanine, an amino acid with highly similar properties. This amino acid position is conserved. In addition, the in silico prediction for this alteration is inconclusive. Based on the available evidence, the clinical significance of this variant remains unclear.

NM_144997.7(FLCN):c.514A>T (p.Ile172Phe)

Gene: FLCN (folliculin; minus strand). Cytogenetic location: 17p11.2.
Variant type: single nucleotide variant.
Coding change: c.514A>T on transcript NM_144997.7 (MANE Select); coding-DNA position 514, A replaced by T.
Protein change: p.Ile172Phe; replaces isoleucine 172 with phenylalanine.
Molecular consequence: missense variant.
Genome position (GRCh38, 1-based): chr17:17,224,026, T>A on the plus strand (A>T on the coding strand, the complement: FLCN is on the minus strand). VCF-style: chr17-17224026-T-A. GRCh37 (hg19) VCF-style: chr17-17127340-T-A.
Other names: c.568A>T, p.Ile190Phe (NM_001353229.2); c.514A>T, p.Ile172Phe (NM_001353230.2, NM_001353231.2, NM_144606.7); short protein forms I172F, I190F.
Identifiers: ClinVar variation 4871390 (VCV004871390.1).